The following is an entry in ClinVar:

NM_001308319.2(CHD9):c.4968-4A>T

Gene: CHD9 (chromodomain helicase DNA binding protein 9; plus strand). Cytogenetic location: 16q12.2.
Variant type: single nucleotide variant.
Coding change: c.4968-4A>T on transcript NM_001308319.2 (MANE Select); 4 bases into the intron before coding-DNA position 4968, A replaced by T.
Molecular consequence: intron variant.
Genome position (GRCh38, 1-based): chr16:53,285,592, A>T. VCF-style: chr16-53285592-A-T. GRCh37 (hg19) VCF-style: chr16-53319504-A-T.
Other names: c.4968-4A>T (NM_025134.7, NM_001382353.1, NM_001352127.3); c.3546-4A>T (NM_001352156.3, NM_001352157.3); c.3447-4A>T (NM_001382354.1, NM_001352158.3, NM_001382355.1).
Identifiers: ClinVar variation 4280765 (VCV004280765.7).

ClinVar aggregate classification (germline): Likely benign (1 of 4 stars; one submission).

gnomAD v4.1: 3,034 of 1,567,828 alleles (0.19%); highest among the groups gnomAD compares: Non-Finnish European, 0.23%; 7 homozygotes.

Submission:

CeGaT Center for Human Genetics Tuebingen
Classification: Likely benign. Last evaluated: 2025-09-01. Review status: criteria provided, single submitter. Criteria: CeGaT Center For Human Genetics Tuebingen Variant Classification Criteria Version 2. Collection method: clinical testing. Allele origin: germline. Affected: yes. Observed: 1 variant allele.
Comment: CHD9: BP4, BS2